The following is an entry in ClinVar:

NM_017777.4(MKS1):c.1113C>A (p.Phe371Leu)

Gene: MKS1 (MKS transition zone complex subunit 1; minus strand). Cytogenetic location: 17q22.
Variant type: single nucleotide variant.
Coding change: c.1113C>A on transcript NM_017777.4 (MANE Select); coding-DNA position 1113, C replaced by A.
Protein change: p.Phe371Leu; replaces phenylalanine 371 with leucine.
Molecular consequence: missense variant.
Genome position (GRCh38, 1-based): chr17:58,208,157, G>T on the plus strand (C>A on the coding strand, the complement: MKS1 is on the minus strand). VCF-style: chr17-58208157-G-T. GRCh37 (hg19) VCF-style: chr17-56285518-G-T.
Other names: c.504C>A, p.Phe168Leu (NM_001321268.2); c.1113C>A, p.Phe371Leu (NM_001321269.2, NM_001330397.2); short protein forms F371L, F168L.
Identifiers: ClinVar variation 499522 (VCV000499522.18), dbSNP rs950609840, ClinGen allele CA292008813.

ClinVar aggregate classification (germline): Uncertain significance. Review status: criteria provided, multiple submitters, no conflicts (2 of 4 stars). 7 submissions from 7 submitters: Uncertain significance (6). 1 of the submissions does not count toward it. Last evaluated 2026-03-10.

Conditions:
MKS1-related disorder. Also called: MKS1-related disorders; MKS1-related condition. Identifiers: MedGen CN239382.
Inborn genetic diseases. Identifiers: MedGen C0950123, MeSH D030342.
Meckel-Gruber syndrome. Also called: DYSENCEPHALIA SPLANCHNOCYSTICA; GRUBER SYNDROME; Dysencephalia splachnocystica. Identifiers: Orphanet 564, MedGen C0265215, MONDO:0018921.
Joubert syndrome. Also called: JOUBERT-BOLTSHAUSER SYNDROME; Familial aplasia of the vermis. Identifiers: Orphanet 475, MedGen C5979921, MONDO:0018772.
Meckel syndrome, type 1 (MKS1). Also called: MECKEL-GRUBER SYNDROME, TYPE 1. Identifiers: Orphanet 564, MedGen C3714506, MONDO:0009571, OMIM 249000.
Bardet-Biedl syndrome 13 (BBS13). Identifiers: Orphanet 110, MedGen C2673873, MONDO:0014441, OMIM 615990.

Allele frequency attached by ClinVar (database versions not stated): TOPMed 0.00008; gnomAD 0.00016.
gnomAD v4.1: 18 of 1,613,096 alleles (0.0011%); highest among the groups gnomAD compares: African/African-American, 0.019%; no homozygotes.

Submissions (7):

PreventionGenetics, part of Exact Sciences
Classification: Uncertain significance for MKS1-related condition. Last evaluated: 2026-03-10. Review status: criteria provided, single submitter. Criteria: ACMG Guidelines, 2015. Collection method: clinical testing. Allele origin: germline.
Comment: The MKS1 c.1113C>A variant is predicted to result in the amino acid substitution p.Phe371Leu. To our knowledge, this variant has not been reported in the literature. This variant is reported in 0.025% of alleles in individuals of African descent in gnomAD. At this time, the clinical significance of this variant is uncertain due to the absence of conclusive functional and genetic evidence.

Ambry Genetics
Classification: Uncertain significance for Inborn genetic diseases. Last evaluated: 2025-08-25. Review status: criteria provided, single submitter. Criteria: Ambry Variant Classification Scheme 2023. Collection method: clinical testing. Allele origin: germline.

Labcorp Genetics (formerly Invitae), Labcorp
Classification: Uncertain significance for Joubert syndrome; Meckel-Gruber syndrome. Last evaluated: 2024-11-11. Review status: criteria provided, single submitter. Criteria: Invitae Variant Classification Sherloc (09022015). Collection method: clinical testing. Allele origin: germline.
Comment: This sequence change replaces phenylalanine, which is neutral and non-polar, with leucine, which is neutral and non-polar, at codon 371 of the MKS1 protein (p.Phe371Leu). This variant is present in population databases (no rsID available, gnomAD 0.02%). This variant has not been reported in the literature in individuals affected with MKS1-related conditions. ClinVar contains an entry for this variant (Variation ID: 499522). Invitae Evidence Modeling of protein sequence and biophysical properties (such as structural, functional, and spatial information, amino acid conservation, physicochemical variation, residue mobility, and thermodynamic stability) indicates that this missense variant is not expected to disrupt MKS1 protein function with a negative predictive value of 80%. In summary, the available evidence is currently insufficient to determine the role of this variant in disease. Therefore, it has been classified as a Variant of Uncertain Significance.

GeneDx
Classification: Uncertain significance. Last evaluated: 2022-10-03. Review status: criteria provided, single submitter. Criteria: GeneDx Variant Classification Process June 2021. Collection method: clinical testing. Allele origin: germline. Affected: yes.
Comment: In silico analysis supports that this missense variant has a deleterious effect on protein structure/function; Has not been previously published as pathogenic or benign to our knowledge

Illumina Laboratory Services, Illumina
Classification: Uncertain significance for Bardet-Biedl syndrome 13. Last evaluated: 2017-04-27. Review status: criteria provided, single submitter. Criteria: ICSL Variant Classification Criteria 13 December 2019. Collection method: clinical testing. Allele origin: germline.

Eurofins Ntd Llc (ga)
Classification: Uncertain significance. Last evaluated: 2017-01-13. Review status: criteria provided, single submitter. Criteria: EGL Classification Definitions 2015. Collection method: clinical testing. Allele origin: germline. Observed: 1 variant allele, 1 heterozygote.

Natera, Inc.
Classification: Uncertain significance for Meckel syndrome type 1. Last evaluated: 2020-02-26. Review status: no assertion criteria provided. Collection method: clinical testing. Allele origin: germline. Not counted in ClinVar's aggregate classification.